The following is an entry in ClinVar:

NM_001382430.1(AKT1):c.1217G>T (p.Arg406Leu)

Gene: AKT1 (AKT serine/threonine kinase 1; minus strand). Cytogenetic location: 14q32.33.
Variant type: single nucleotide variant.
Coding change: c.1217G>T on transcript NM_001382430.1 (MANE Select); coding-DNA position 1217, G replaced by T.
Protein change: p.Arg406Leu; replaces arginine 406 with leucine.
Molecular consequence: missense variant.
Genome position (GRCh38, 1-based): chr14:104,772,408, C>A on the plus strand (G>T on the coding strand, the complement: AKT1 is on the minus strand). VCF-style: chr14-104772408-C-A. GRCh37 (hg19) VCF-style: chr14-105238745-C-A.
Other names: c.1217G>T, p.Arg406Leu (NM_001014431.2, NM_001014432.2, NM_001382431.1 and 3 more transcripts); short protein forms R406L.
Identifiers: ClinVar variation 1752066 (VCV001752066.2), dbSNP rs143266084, ClinGen allele CA391216234.

ClinVar aggregate classification (germline): Uncertain significance (1 of 4 stars; one submission).

Conditions:
Inborn genetic diseases. Identifiers: MedGen C0950123, MeSH D030342.

Submission:

Ambry Genetics
Classification: Uncertain significance for Inborn genetic diseases. Last evaluated: 2022-08-17. Review status: criteria provided, single submitter. Criteria: Ambry Variant Classification Scheme 2023. Collection method: clinical testing. Allele origin: germline.
Comment: The p.R406L variant (also known as c.1217G>T), located in coding exon 11 of the AKT1 gene, results from a G to T substitution at nucleotide position 1217. The arginine at codon 406 is replaced by leucine, an amino acid with dissimilar properties. This amino acid position is conserved. In addition, this alteration is predicted to be tolerated by in silico analysis. Since supporting evidence is limited at this time, the clinical significance of this alteration remains unclear.